The following is an entry in ClinVar:

ClinVar aggregate classification (germline): Pathogenic. Review status: criteria provided, single submitter (1 of 4 stars). 2 submissions from 2 submitters: Pathogenic (1). 1 of the submissions does not count toward it. Last evaluated 2022-06-09.

Conditions:
Pulmonary fibrosis. Identifiers: MedGen C0034069, MONDO:0002771, HP:0002206.
Pulmonary fibrosis and/or bone marrow failure, Telomere-related, 4. Also called: PULMONARY FIBROSIS AND/OR BONE MARROW FAILURE SYNDROME, TELOMERE-RELATED, 4. Identifiers: Orphanet 2032, MedGen C4225347, MONDO:0014612, OMIM 616371.

Allele frequency attached by ClinVar (database versions not stated): gnomAD exomes below 0.00001; ExAC 0.00001.
gnomAD v4.1: 1 of 1,592,510 alleles (0.000063%); highest among the groups gnomAD compares: Non-Finnish European, 0.000086%; no homozygotes.

Submissions (2):

Garcia Pulmonary Genetics Research Laboratory, Columbia University Irving Medical Center
Classification: Pathogenic for Pulmonary fibrosis. Last evaluated: 2022-06-09. Review status: criteria provided, single submitter. Criteria: ACMG Guidelines, 2015. Collection method: research. Allele origin: germline. Affected: yes.
Comment: Pathogenic criteria: null variant (PVS1) with functional study supportive of damaging effect (PS3): leukocyte telomere length (by qPCR) less than 10th percentile age-adjusted

OMIM
Classification: Pathogenic for PULMONARY FIBROSIS AND/OR BONE MARROW FAILURE SYNDROME, TELOMERE-RELATED, 4. Last evaluated: 2015-05-01. Review status: no assertion criteria provided. Collection method: literature only. Allele origin: germline. Not counted in ClinVar's aggregate classification.

Literature cited by the submitters: PubMed 25848748 (cited by OMIM).

NM_002582.4(PARN):c.246-2A>G

Gene: PARN (poly(A)-specific ribonuclease; minus strand). Cytogenetic location: 16p13.12.
Variant type: single nucleotide variant.
Coding change: c.246-2A>G on transcript NM_002582.4 (MANE Select); the canonical splice acceptor site of the intron before coding-DNA position 246, A replaced by G.
Molecular consequence: splice acceptor variant. On other transcripts: intron variant (1).
Genome position (GRCh38, 1-based): chr16:14,627,189, T>C on the plus strand (A>G on the coding strand, the complement: PARN is on the minus strand). VCF-style: chr16-14627189-T-C. GRCh37 (hg19) VCF-style: chr16-14721046-T-C.
Other names: IVS4AS, A-G, -2; c.63-2A>G (NM_001134477.3); c.159-53A>G (NM_001242992.2).
Identifiers: ClinVar variation 190468 (VCV000190468.29), dbSNP rs751381953, ClinGen allele CA7912476.